The following is an entry in ClinVar:

ClinVar aggregate classification (germline): Likely benign (1 of 4 stars; one submission).

gnomAD v4.1: 47 of 1,612,562 alleles (0.0029%); highest among the groups gnomAD compares: Non-Finnish European, 0.0033%; no homozygotes.

Submission:

CeGaT Center for Human Genetics Tuebingen
Classification: Likely benign. Last evaluated: 2026-08-01. Review status: criteria provided, single submitter. Criteria: CeGaT Center For Human Genetics Tuebingen Variant Classification Criteria Version 2. Collection method: clinical testing. Allele origin: germline. Affected: yes. Observed: 1 variant allele.
Comment: GAS6: BP4

NM_000820.4(GAS6):c.1949G>A (p.Arg650Gln)

Genes: GAS6 (growth arrest specific 6; minus strand), GAS6-AS1 (GAS6 antisense RNA 1; plus strand). Cytogenetic location: 13q34.
Variant type: single nucleotide variant.
Coding change: c.1949G>A on transcript NM_000820.4 (MANE Select); coding-DNA position 1949, G replaced by A.
Protein change: p.Arg650Gln; replaces arginine 650 with glutamine.
Molecular consequence: missense variant.
Genome position (GRCh38, 1-based): chr13:113,820,952, C>T on the plus strand (G>A on the coding strand, the complement: GAS6 is on the minus strand). VCF-style: chr13-113820952-C-T. GRCh37 (hg19) VCF-style: chr13-114523925-C-T.
Other names: short protein forms R650Q.
Identifiers: ClinVar variation 5039307 (VCV005039307.1).